The following is an entry in ClinVar:

ClinVar aggregate classification (germline): Uncertain significance (1 of 4 stars; one submission).

Submission:

Labcorp Genetics (formerly Invitae), Labcorp
Classification: Uncertain significance. Last evaluated: 2024-12-02. Review status: criteria provided, single submitter. Criteria: Invitae Variant Classification Sherloc (09022015). Collection method: clinical testing. Allele origin: germline.
Comment: This sequence change replaces phenylalanine, which is neutral and non-polar, with leucine, which is neutral and non-polar, at codon 56 of the NXN protein (p.Phe56Leu). This variant is not present in population databases (gnomAD no frequency). This variant has not been reported in the literature in individuals affected with NXN-related conditions. ClinVar contains an entry for this variant (Variation ID: 1932575). An algorithm developed to predict the effect of missense changes on protein structure and function (PolyPhen-2) suggests that this variant is likely to be tolerated. In summary, the available evidence is currently insufficient to determine the role of this variant in disease. Therefore, it has been classified as a Variant of Uncertain Significance.

NM_022463.5(NXN):c.168C>G (p.Phe56Leu)

Gene: NXN (nucleoredoxin; minus strand). Cytogenetic location: 17p13.3.
Variant type: single nucleotide variant.
Coding change: c.168C>G on transcript NM_022463.5 (MANE Select); coding-DNA position 168, C replaced by G.
Protein change: p.Phe56Leu; replaces phenylalanine 56 with leucine.
Molecular consequence: missense variant.
Genome position (GRCh38, 1-based): chr17:979,511, G>C on the plus strand (C>G on the coding strand, the complement: NXN is on the minus strand). VCF-style: chr17-979511-G-C. GRCh37 (hg19) VCF-style: chr17-882751-G-C.
Other names: short protein forms F56L.
Identifiers: ClinVar variation 1932575 (VCV001932575.5), dbSNP rs760946964, ClinGen allele CA397511717.
Genomic context (GRCh38, chr17:979,511, plus strand): 5'-CGCCCCGGCCCCCGCTCCCGGCCCCGGCCCGGCCGCCGCGTCCCCCCGCAGGCGCCCGTA[G>C]AAGGCGGCCAGGCTGGCGCTGAGCTGCGCGCAGGGGGCGCTGAGGCTGCAGCCGAAGTAG-3'
Protein context (NP_071908.2, residues 46-66): CAQLSASLAA[Phe56Leu]YGRLRGDAAA